The following is an entry in ClinVar:

ClinVar aggregate classification (germline): Uncertain significance. Review status: criteria provided, multiple submitters, no conflicts (2 of 4 stars). 2 submissions from 2 submitters: Uncertain significance (2). Last evaluated 2024-04-09.

Conditions:
Familial thoracic aortic aneurysm and aortic dissection (TAAD). Also called: Thoracic aortic aneurysms and dissections. Identifiers: Orphanet 91387, MedGen C4707243, MONDO:0019625.

Allele frequency attached by ClinVar (database versions not stated): TOPMed below 0.00001.

Submissions (2):

Labcorp Genetics (formerly Invitae), Labcorp
Classification: Uncertain significance for Familial thoracic aortic aneurysm and aortic dissection. Last evaluated: 2024-04-09. Review status: criteria provided, single submitter. Criteria: Invitae Variant Classification Sherloc (09022015). Collection method: clinical testing. Allele origin: germline.
Comment: This sequence change replaces methionine, which is neutral and non-polar, with leucine, which is neutral and non-polar, at codon 142 of the TGFBR1 protein (p.Met142Leu). This variant is not present in population databases (gnomAD no frequency). This variant has not been reported in the literature in individuals affected with TGFBR1-related conditions. ClinVar contains an entry for this variant (Variation ID: 1422058). Advanced modeling of protein sequence and biophysical properties (such as structural, functional, and spatial information, amino acid conservation, physicochemical variation, residue mobility, and thermodynamic stability) performed at Invitae indicates that this missense variant is not expected to disrupt TGFBR1 protein function with a negative predictive value of 95%. In summary, the available evidence is currently insufficient to determine the role of this variant in disease. Therefore, it has been classified as a Variant of Uncertain Significance.

Color Diagnostics, LLC DBA Color Health
Classification: Uncertain significance for Familial thoracic aortic aneurysm and aortic dissection. Last evaluated: 2024-03-06. Review status: criteria provided, single submitter. Criteria: ACMG Guidelines, 2015. Collection method: clinical testing. Allele origin: germline.
Comment: This missense variant replaces methionine with leucine at codon 142 of the TGFBR1 protein. Computational prediction suggests that this variant may not impact protein structure and function (internally defined REVEL score threshold <= 0.5, PMID: 27666373). To our knowledge, functional studies have not been reported for this variant. This variant has not been reported in individuals affected with TGFBR1-related disorders in the literature. This variant has not been identified in the general population by the Genome Aggregation Database (gnomAD). The available evidence is insufficient to determine the role of this variant in disease conclusively. Therefore, this variant is classified as a Variant of Uncertain Significance.

NM_004612.4(TGFBR1):c.424A>T (p.Met142Leu)

Gene: TGFBR1 (transforming growth factor beta receptor 1; plus strand). Cytogenetic location: 9q22.33.
Variant type: single nucleotide variant.
Coding change: c.424A>T on transcript NM_004612.4 (MANE Select); coding-DNA position 424, A replaced by T.
Protein change: p.Met142Leu; replaces methionine 142 with leucine.
Molecular consequence: missense variant. On other transcripts: intron variant (1).
Genome position (GRCh38, 1-based): chr9:99,132,589, A>T. VCF-style: chr9-99132589-A-T. GRCh37 (hg19) VCF-style: chr9-101894871-A-T.
Other names: c.436A>T, p.Met146Leu (NM_001306210.2); c.343+3489A>T (NM_001130916.3); short protein forms M146L, M142L.
Identifiers: ClinVar variation 1422058 (VCV001422058.8), dbSNP rs1029455360, ClinGen allele CA196885561.